The following is an entry in ClinVar:

NM_000179.3(MSH6):c.3925C>T (p.Pro1309Ser)

Gene: MSH6 (mutS homolog 6; plus strand). Cytogenetic location: 2p16.3.
Variant type: single nucleotide variant.
Coding change: c.3925C>T on transcript NM_000179.3 (MANE Select); coding-DNA position 3925, C replaced by T.
Protein change: p.Pro1309Ser; replaces proline 1309 with serine.
Molecular consequence: missense variant. On other transcripts: non-coding transcript variant (5), intron variant (1), synonymous variant (1).
Genome position (GRCh38, 1-based): chr2:47,806,575, C>T. VCF-style: chr2-47806575-C-T. GRCh37 (hg19) VCF-style: chr2-48033714-C-T.
Other names: c.3931C>T, p.Pro1311Ser (NM_001406813.1); c.3019C>T, p.Pro1007Ser (NM_001406814.1, NM_001406815.1, NM_001406816.1 and 6 more transcripts); c.2359C>T, p.Pro787Ser (NM_001406817.1); c.3628C>T, p.Pro1210Ser (NM_001406818.1, NM_001406819.1, NM_001406820.1 and 10 more transcripts); c.3757C>T, p.Pro1253Ser (NM_001406826.1); c.706C>T, p.Pro236Ser (NM_001406831.1); c.772C>T, p.Pro258Ser (NM_001406832.1); c.1870C>T, p.Pro624Ser (NM_001407362.1); and 9 more; short protein forms P1007S, P1021S, P1134S, P1179S, P1210S, P1251S, P1253S, P1283S.
Identifiers: ClinVar variation 3779949 (VCV003779949.3).

ClinVar aggregate classification (germline): Uncertain significance. Review status: criteria provided, multiple submitters, no conflicts (2 of 4 stars). 2 submissions from 2 submitters: Uncertain significance (2). Last evaluated 2026-08-13.

Conditions:
Hereditary cancer-predisposing syndrome. Also called: Tumor predisposition; Hereditary neoplastic syndrome; Hereditary Cancer Syndrome; Neoplastic Syndromes, Hereditary. Identifiers: Orphanet 140162, MedGen C0027672, MeSH D009386, MONDO:0015356.
Lynch syndrome. Identifiers: Orphanet 144, MedGen C4552100, MONDO:0005835. Disease mechanism: loss of function.

Submissions (2):

Ambry Genetics
Classification: Uncertain significance for Hereditary cancer-predisposing syndrome. Last evaluated: 2026-08-13. Review status: criteria provided, single submitter. Criteria: Ambry Variant Classification Scheme 2023. Collection method: clinical testing. Allele origin: germline.
Comment: The p.P1309S variant (also known as c.3925C>T), located in coding exon 9 of the MSH6 gene, results from a C to T substitution at nucleotide position 3925. The proline at codon 1309 is replaced by serine, an amino acid with similar properties. This amino acid position is highly conserved in available vertebrate species. In addition, this alteration is predicted to be deleterious by in silico analysis. Based on the available evidence, the clinical significance of this variant remains unclear.

Department of Pathology and Laboratory Medicine, Sinai Health System
Classification: Uncertain significance for Lynch syndrome. Last evaluated: 2022-03-28. Review status: criteria provided, single submitter. Criteria: ACMG Guidelines, 2015. Collection method: clinical testing. Allele origin: germline. Affected: yes.